The following is an entry in ClinVar:

ClinVar aggregate classification (germline): Pathogenic. Review status: criteria provided, multiple submitters, no conflicts (2 of 4 stars). 4 submissions from 4 submitters: Pathogenic (4). Last evaluated 2025-03-17.

Conditions:
Becker muscular dystrophy, Cardiomyopathy, Duchenne muscular dystrophy, Dystrophin deficiency.
Duchenne muscular dystrophy (DMD). Also called: Duchenne Muscular Dystrophy (DMD); MUSCULAR DYSTROPHY, PSEUDOHYPERTROPHIC PROGRESSIVE, DUCHENNE TYPE. Identifiers: Orphanet 98896, MedGen C0013264, MONDO:0010679, OMIM 310200.

Submissions (4):

Revvity Omics, Revvity
Classification: Pathogenic. Last evaluated: 2025-03-17. Review status: criteria provided, single submitter. Criteria: ACMG Guidelines, 2015. Collection method: clinical testing. Allele origin: germline.

Natera, Inc.
Classification: Pathogenic for Becker muscular dystrophy, Cardiomyopathy, Duchenne muscular dystrophy, Dystrophin deficiency. Last evaluated: 2024-06-14. Review status: criteria provided, single submitter. Criteria: Natera Variant Classification Schema (03/2026). Collection method: clinical testing. Allele origin: germline.
Comment: The c.2804-1G>A variant in DMD is a canonical splice acceptor site variant predicted to affect pre-mRNA splicing, which may result in an abnormal transcript and altered protein product. This variant is expected to result in nonsense mediated decay, truncation, or a dysfunctional protein product. This variant is rare in the general population with a frequency below the threshold expected for the associated phenotype(s). Another variant at this same site results in an alteration predicted to cause a similar molecular effect has been observed in individual(s) with the associated phenotype. Given the available evidence, this variant is classified as Pathogenic.

Labcorp Genetics (formerly Invitae), Labcorp
Classification: Pathogenic for Duchenne muscular dystrophy. Last evaluated: 2019-02-19. Review status: criteria provided, single submitter. Criteria: Invitae Variant Classification Sherloc (09022015). Collection method: clinical testing. Allele origin: germline.
Comment: This sequence change affects an acceptor splice site in intron 21 of the DMD gene. It is expected to disrupt RNA splicing and likely results in an absent or disrupted protein product. This variant is not present in population databases (ExAC no frequency). Disruption of this splice site has been observed in individuals affected with Duchenne or Becker muscular dystrophy (PMID: 28859693, 29973226, 27593222). ClinVar contains an entry for this variant (Variation ID: 94537). Donor and acceptor splice site variants typically lead to a loss of protein function (PMID: 16199547), and loss-of-function variants in DMD are known to be pathogenic (PMID: 16770791, 25007885). For these reasons, this variant has been classified as Pathogenic.

Eurofins Ntd Llc (ga)
Classification: Pathogenic. Last evaluated: 2012-11-01. Review status: criteria provided, single submitter. Criteria: EGL Classification Definitions 2015. Collection method: clinical testing. Allele origin: germline. Observed: 2 variant alleles, 1 heterozygote, 1 hemizygote.

Literature cited by the submitters: PubMed 28859693 (cited by Labcorp Genetics (formerly Invitae), Labcorp); PubMed 29973226 (cited by Labcorp Genetics (formerly Invitae), Labcorp); PubMed 27593222 (cited by Labcorp Genetics (formerly Invitae), Labcorp); PubMed 16199547 (cited by Labcorp Genetics (formerly Invitae), Labcorp); PubMed 16770791 (cited by Labcorp Genetics (formerly Invitae), Labcorp); PubMed 25007885 (cited by Labcorp Genetics (formerly Invitae), Labcorp).

NM_004006.3(DMD):c.2804-1G>A

Gene: DMD (dystrophin; minus strand). Cytogenetic location: Xp21.1.
Variant type: single nucleotide variant.
Coding change: c.2804-1G>A on transcript NM_004006.3 (MANE Select); the canonical splice acceptor site of the intron before coding-DNA position 2804, G replaced by A.
Molecular consequence: splice acceptor variant.
Genome position (GRCh38, 1-based): chrX:32,472,310, C>T on the plus strand (G>A on the coding strand, the complement: DMD is on the minus strand). VCF-style: chrX-32472310-C-T. GRCh37 (hg19) VCF-style: chrX-32490427-C-T.
Other names: c.2780-1G>A (NM_000109.4); c.2792-1G>A (NM_004009.3); c.2435-1G>A (NM_004010.3).
Identifiers: ClinVar variation 94537 (VCV000094537.18), dbSNP rs398123909, ClinGen allele CA266957.